The following is an entry in ClinVar:

NM_005876.5(SPEG):c.2533C>T (p.Pro845Ser)

Gene: SPEG (striated muscle enriched protein kinase; plus strand). Cytogenetic location: 2q35.
Variant type: single nucleotide variant.
Coding change: c.2533C>T on transcript NM_005876.5 (MANE Select); coding-DNA position 2533, C replaced by T.
Protein change: p.Pro845Ser; replaces proline 845 with serine.
Molecular consequence: missense variant. On other transcripts: 5 prime UTR variant (1).
Genome position (GRCh38, 1-based): chr2:219,461,974, C>T. VCF-style: chr2-219461974-C-T. GRCh37 (hg19) VCF-style: chr2-220326696-C-T.
Other names: c.-15C>T (NM_001173476.2); c.2533C>T (NM_005876.4); short protein forms P845S.
Identifiers: ClinVar variation 1460916 (VCV001460916.8), dbSNP rs369395171, ClinGen allele CA2125867.

ClinVar aggregate classification (germline): Uncertain significance. Review status: criteria provided, multiple submitters, no conflicts (2 of 4 stars). 2 submissions from 2 submitters: Uncertain significance (2). Last evaluated 2025-08-20.

Conditions:
Inborn genetic diseases. Identifiers: MedGen C0950123, MeSH D030342.

Allele frequency attached by ClinVar (database versions not stated): ExAC 0.00001; gnomAD exomes 0.00001; ESP Exome Variant Server 0.00008.
gnomAD v4.1: 12 of 1,613,556 alleles (0.00074%); highest among the groups gnomAD compares: South Asian, 0.0011%; no homozygotes.

Submissions (2):

Ambry Genetics
Classification: Uncertain significance for Inborn genetic diseases. Last evaluated: 2025-08-20. Review status: criteria provided, single submitter. Criteria: Ambry Variant Classification Scheme 2023. Collection method: clinical testing. Allele origin: germline.

Labcorp Genetics (formerly Invitae), Labcorp
Classification: Uncertain significance. Last evaluated: 2023-12-21. Review status: criteria provided, single submitter. Criteria: Invitae Variant Classification Sherloc (09022015). Collection method: clinical testing. Allele origin: germline.
Comment: This sequence change replaces proline, which is neutral and non-polar, with serine, which is neutral and polar, at codon 845 of the SPEG protein (p.Pro845Ser). This variant is present in population databases (rs369395171, gnomAD 0.003%). This variant has not been reported in the literature in individuals affected with SPEG-related conditions. ClinVar contains an entry for this variant (Variation ID: 1460916). Algorithms developed to predict the effect of missense changes on protein structure and function output the following: SIFT: "Not Available"; PolyPhen-2: "Benign"; Align-GVGD: "Not Available". The serine amino acid residue is found in multiple mammalian species, which suggests that this missense change does not adversely affect protein function. In summary, the available evidence is currently insufficient to determine the role of this variant in disease. Therefore, it has been classified as a Variant of Uncertain Significance.